The following is an entry in ClinVar:

NM_000059.4(BRCA2):c.729del (p.Asn243fs)

Gene: BRCA2 (BRCA2 DNA repair associated; plus strand). Cytogenetic location: 13q13.1.
Variant type: Deletion.
Coding change: c.729del on transcript NM_000059.4 (MANE Select); coding-DNA position 729, one base deleted (T; older notation c.729delT).
Protein change: p.Asn243fs; shifts the reading frame from asparagine 243.
Molecular consequence: frameshift variant.
Genome position (GRCh38, 1-based): chr13:32,330,966, T deleted. VCF-style (leftmost placement, unchanged base first): chr13-32330965-AT-A. GRCh37 (hg19) VCF-style: chr13-32905102-AT-A.
Other names: c.729delT, p.Asn243Lysfs (NM_001406719.1, NM_001406720.1, NM_001406721.1); c.360delT, p.Asn120Lysfs (NM_001406722.1); short protein forms N243fs.
Identifiers: ClinVar variation 1758155 (VCV001758155.2), dbSNP rs2548517968, ClinGen allele CA2580087074.
Genomic context (GRCh38, chr13:32,330,965, plus strand): 5'-TATAATTTTTGCAGAATGTGAAAAGCTATTTTTCCAATCATGATGAAAGTCTGAAGAAAA[AT>A]GATAGATTTATCGCTTCTGTGACAGACAGTGAAAACACAAATCAAAGAGAAGCTGCAAGT-3'

ClinVar aggregate classification (germline): Pathogenic (1 of 4 stars; one submission).

Conditions:
Hereditary cancer-predisposing syndrome. Also called: Neoplastic Syndromes, Hereditary; Tumor predisposition; Hereditary Cancer Syndrome; Hereditary neoplastic syndrome. Identifiers: Orphanet 140162, MedGen C0027672, MeSH D009386, MONDO:0015356.

Submission:

Ambry Genetics
Classification: Pathogenic for Hereditary cancer-predisposing syndrome. Last evaluated: 2022-06-23. Review status: criteria provided, single submitter. Criteria: Ambry Variant Classification Scheme 2023. Collection method: clinical testing. Allele origin: germline.
Comment: The c.729delT pathogenic mutation, located in coding exon 8 of the BRCA2 gene, results from a deletion of one nucleotide at nucleotide position 729, causing a translational frameshift with a predicted alternate stop codon (p.N243Kfs*8). This variant is considered to be rare based on population cohorts in the Genome Aggregation Database (gnomAD). This alteration is expected to result in loss of function by premature protein truncation or nonsense-mediated mRNA decay. As such, this alteration is interpreted as a disease-causing mutation.